The following is an entry in ClinVar:

NM_000440.3(PDE6A):c.1655del (p.Gly552fs)

Gene: PDE6A (phosphodiesterase 6A; minus strand). Cytogenetic location: 5q32.
Variant type: Deletion.
Coding change: c.1655del on transcript NM_000440.3 (MANE Select); coding-DNA position 1655, one base deleted (G; older notation c.1655delG).
Protein change: p.Gly552fs; shifts the reading frame from glycine 552.
Molecular consequence: frameshift variant.
Genome position (GRCh38, 1-based): chr5:149,895,256, C deleted on the plus strand (G on the coding strand, the reverse complement: PDE6A is on the minus strand); the first of 3 consecutive C bases (chr5:149,895,256-149,895,258); deleting any one gives the same sequence. VCF-style (leftmost placement, unchanged base first): chr5-149895255-GC-G. GRCh37 (hg19) VCF-style: chr5-149274818-GC-G.
Other names: c.1412del, p.Gly471fs (NM_001410788.1); short protein forms G471fs, G552fs.
Identifiers: ClinVar variation 5019595 (VCV005019595.2).

ClinVar aggregate classification (germline): Likely pathogenic (1 of 4 stars; one submission).

Conditions:
Retinitis pigmentosa 43 (RP43). Identifiers: Orphanet 791, MedGen C3151139, MONDO:0013437, OMIM 613810.

Submission:

Juno Genomics, Hangzhou Juno Genomics, Inc
Classification: Likely pathogenic for Retinitis pigmentosa 43. Review status: criteria provided, single submitter. Criteria: ACMG Guidelines, 2015. Collection method: clinical testing. Allele origin: germline.
Comment: Absent from controls (or at extremely low frequency if recessive) in Genome Aggregation Database.;Null variant in a gene where loss of function (LOF) is a known mechanism of disease.